The following is an entry in ClinVar:

ClinVar aggregate classification (germline): Likely pathogenic. Review status: criteria provided, multiple submitters, no conflicts (2 of 4 stars). 4 submissions from 4 submitters: Likely pathogenic (3). 1 of the submissions does not count toward it. Last evaluated 2025-12-08.

Conditions:
Gastric cancer. Also called: Stomach cancer; Malignant tumor of stomach. Identifiers: MedGen C0024623, MeSH D013274, MONDO:0001056, OMIM 613659, HP:0012126.
Hereditary cancer-predisposing syndrome. Also called: Hereditary neoplastic syndrome; Neoplastic Syndromes, Hereditary; Hereditary Cancer Syndrome; Tumor predisposition. Identifiers: Orphanet 140162, MedGen C0027672, MeSH D009386, MONDO:0015356.
Familial cancer of breast. Also called: hereditary breast carcinoma; Hereditary breast cancer; BREAST CANCER, FAMILIAL. Identifiers: Orphanet 227535, MedGen C0346153, MONDO:0016419, OMIM 114480. Disease mechanism: loss of function.

Allele frequency attached by ClinVar (database versions not stated): TOPMed below 0.00001.

Submissions (4):

Labcorp Genetics (formerly Invitae), Labcorp
Classification: Likely pathogenic for Familial cancer of breast. Last evaluated: 2025-12-08. Review status: criteria provided, single submitter. Criteria: Invitae Variant Classification Sherloc (09022015). Collection method: clinical testing. Allele origin: germline.
Comment: This sequence change affects an acceptor splice site in intron 10 of the CHEK2 gene. It is expected to disrupt RNA splicing. Variants that disrupt the donor or acceptor splice site typically lead to a loss of protein function (PMID: 16199547), and loss-of-function variants in CHEK2 are known to be pathogenic (PMID: 21876083, 24713400). This variant is not present in population databases (gnomAD no frequency). This variant has not been reported in the literature in individuals affected with CHEK2-related conditions. ClinVar contains an entry for this variant (Variation ID: 530195). Algorithms developed to predict the effect of sequence changes on RNA splicing suggest that this variant may disrupt the consensus splice site. In summary, the currently available evidence indicates that the variant is pathogenic, but additional data are needed to prove that conclusively. Therefore, this variant has been classified as Likely Pathogenic.

Color Diagnostics, LLC DBA Color Health
Classification: Likely pathogenic for Hereditary cancer-predisposing syndrome. Last evaluated: 2025-09-12. Review status: criteria provided, single submitter. Criteria: ACMG Guidelines, 2015. Collection method: clinical testing. Allele origin: germline.
Comment: This variant causes a G>T nucleotide substitution at the -1 position of intron 8 of the CHEK2 gene. Splice site prediction tools suggest that this variant may have a significant impact on RNA splicing. Although this prediction has not been confirmed in published RNA studies, this variant is expected to result in an absent or disrupted protein product. This variant has not been reported in individuals affected with CHEK2-related disorders in the literature. This variant has not been identified in the general population by the Genome Aggregation Database (gnomAD). Based on the available evidence, this variant is classified as Likely Pathogenic.

Myriad Genetics, Inc.
Classification: Likely pathogenic for Familial cancer of breast. Last evaluated: 2023-06-27. Review status: criteria provided, single submitter. Criteria: Myriad Autosomal Dominant, Autosomal Recessive and X-Linked Classification Criteria (2023). Collection method: clinical testing. Allele origin: unknown.
Comment: This variant is considered likely pathogenic. This variant occurs within a consensus splice junction and is predicted to result in abnormal mRNA splicing of either an out-of-frame exon or an in-frame exon necessary for protein stability and/or normal function.

Laboratory for Genotyping Development, RIKEN
Classification: Pathogenic for Gastric cancer. Last evaluated: 2021-07-01. Review status: no assertion criteria provided. Collection method: research. Allele origin: germline. Not counted in ClinVar's aggregate classification.

Literature cited by the submitters: PubMed 16199547 (cited by Labcorp Genetics (formerly Invitae), Labcorp); PubMed 21876083 (cited by Labcorp Genetics (formerly Invitae), Labcorp); PubMed 24713400 (cited by Labcorp Genetics (formerly Invitae), Labcorp); PubMed 36988593 (cited by Laboratory for Genotyping Development, RIKEN).

NM_007194.4(CHEK2):c.1096-1G>T

Gene: CHEK2 (checkpoint kinase 2; minus strand). Cytogenetic location: 22q12.1.
Variant type: single nucleotide variant.
Coding change: c.1096-1G>T on transcript NM_007194.4 (MANE Select); the canonical splice acceptor site of the intron before coding-DNA position 1096, G replaced by T.
Molecular consequence: splice acceptor variant.
Genome position (GRCh38, 1-based): chr22:28,695,874, C>A on the plus strand (G>T on the coding strand, the complement: CHEK2 is on the minus strand). VCF-style: chr22-28695874-C-A. GRCh37 (hg19) VCF-style: chr22-29091862-C-A.
Other names: c.433-1G>T (NM_001437942.1, NM_001257387.3); c.895-1G>T (NM_001349956.3); c.1009-1G>T (NM_145862.3); c.1102-1G>T (NM_001438295.1); c.1189-1G>T (NM_001438293.1); c.1138-1G>T (NM_001438294.1); c.1225-1G>T (NM_001005735.3).
Identifiers: ClinVar variation 530195 (VCV000530195.27), dbSNP rs1060502716, ClinGen allele CA411097244.